The following is an entry in ClinVar:

NM_015898.4(ZBTB7A):c.1198C>T (p.His400Tyr)

Gene: ZBTB7A (zinc finger and BTB domain containing 7A; minus strand). Cytogenetic location: 19p13.3.
Variant type: single nucleotide variant.
Coding change: c.1198C>T on transcript NM_015898.4 (MANE Select); coding-DNA position 1198, C replaced by T.
Protein change: p.His400Tyr; replaces histidine 400 with tyrosine.
Molecular consequence: missense variant.
Genome position (GRCh38, 1-based): chr19:4,054,035, G>A on the plus strand (C>T on the coding strand, the complement: ZBTB7A is on the minus strand). VCF-style: chr19-4054035-G-A. GRCh37 (hg19) VCF-style: chr19-4054033-G-A.
Other names: c.1198C>T, p.His400Tyr (NM_001317990.2); short protein forms H400Y.
Identifiers: ClinVar variation 4528063 (VCV004528063.1).

ClinVar aggregate classification (germline): Uncertain significance (1 of 4 stars; one submission).

Submission:

GeneDx
Classification: Uncertain significance. Last evaluated: 2025-05-06. Review status: criteria provided, single submitter. Criteria: GeneDx Variant Classification Process June 2021. Collection method: clinical testing. Allele origin: germline. Affected: yes.
Comment: Not observed at significant frequency in large population cohorts (gnomAD); In silico analysis supports that this missense variant has a deleterious effect on protein structure/function; Has not been previously published as pathogenic or benign to our knowledge